The following is an entry in ClinVar:

NM_001145809.2(MYH14):c.874+4T>G

Gene: MYH14 (myosin heavy chain 14; plus strand). Cytogenetic location: 19q13.33.
Variant type: single nucleotide variant.
Coding change: c.874+4T>G on transcript NM_001145809.2 (MANE Select); 4 bases into the intron after coding-DNA position 874, T replaced by G.
Molecular consequence: intron variant.
Genome position (GRCh38, 1-based): chr19:50,226,970, T>G. VCF-style: chr19-50226970-T-G. GRCh37 (hg19) VCF-style: chr19-50730227-T-G.
Other names: c.874+4T>G (NM_001077186.2); c.850+4T>G (NM_024729.4).
Identifiers: ClinVar variation 4805582 (VCV004805582.1).

ClinVar aggregate classification (germline): Uncertain significance (1 of 4 stars; one submission).

gnomAD v4.1: 64 of 1,613,426 alleles (0.004%); highest among the groups gnomAD compares: Admixed American, 0.093%; no homozygotes.

Submission:

Labcorp Genetics (formerly Invitae), Labcorp
Classification: Uncertain significance. Last evaluated: 2025-07-28. Review status: criteria provided, single submitter. Criteria: Invitae Variant Classification Sherloc (09022015). Collection method: clinical testing. Allele origin: germline.
Comment: This sequence change falls in intron 7 of the MYH14 gene. It does not directly change the encoded amino acid sequence of the MYH14 protein. It affects a nucleotide within the consensus splice site. This variant is present in population databases (rs768851131, gnomAD 0.06%), and has an allele count higher than expected for a pathogenic variant. This variant has not been reported in the literature in individuals affected with MYH14-related conditions. Variants that disrupt the consensus splice site are a relatively common cause of aberrant splicing (PMID: 17576681, 9536098). Algorithms developed to predict the effect of sequence changes on RNA splicing suggest that this variant may disrupt the consensus splice site. In summary, the available evidence is currently insufficient to determine the role of this variant in disease. Therefore, it has been classified as a Variant of Uncertain Significance.

Literature cited by the submitters: PubMed 17576681; PubMed 9536098.